The following is an entry in ClinVar:

ClinVar aggregate classification (germline): Uncertain significance (1 of 4 stars; one submission).

Conditions:
Leber congenital amaurosis 13 (LCA13). Identifiers: MedGen C2675186, MONDO:0012990, OMIM 612712.

Allele frequency attached by ClinVar (database versions not stated): gnomAD exomes below 0.00001.
gnomAD v4.1: 1 of 1,577,676 alleles (0.000063%); highest among the groups gnomAD compares: Non-Finnish European, 0.000087%; no homozygotes.

Submission:

Labcorp Genetics (formerly Invitae), Labcorp
Classification: Uncertain significance for Leber congenital amaurosis 13. Last evaluated: 2022-06-28. Review status: criteria provided, single submitter. Criteria: Invitae Variant Classification Sherloc (09022015). Collection method: clinical testing. Allele origin: germline.
Comment: In summary, the available evidence is currently insufficient to determine the role of this variant in disease. Therefore, it has been classified as a Variant of Uncertain Significance. Variants that disrupt the consensus splice site are a relatively common cause of aberrant splicing (PMID: 17576681, 9536098). Algorithms developed to predict the effect of sequence changes on RNA splicing suggest that this variant is not likely to affect RNA splicing. This variant has been observed in individual(s) with retinitis pigmentosa (Invitae). This variant is present in population databases (no rsID available, gnomAD 0.0009%). This sequence change falls in intron 6 of the RDH12 gene. It does not directly change the encoded amino acid sequence of the RDH12 protein. It affects a nucleotide within the consensus splice site.

Literature cited by the submitters: PubMed 17576681; PubMed 9536098.

NM_152443.3(RDH12):c.448+4A>G

Genes: RDH12 (retinol dehydrogenase 12; plus strand), GPHN (gephyrin; plus strand). Cytogenetic location: 14q24.1.
Variant type: single nucleotide variant.
Coding change: c.448+4A>G on transcript NM_152443.3 (MANE Select); 4 bases into the intron after coding-DNA position 448, A replaced by G.
Molecular consequence: intron variant.
Genome position (GRCh38, 1-based): chr14:67,726,159, A>G. VCF-style: chr14-67726159-A-G. GRCh37 (hg19) VCF-style: chr14-68192876-A-G.
Identifiers: ClinVar variation 1461722 (VCV001461722.6), dbSNP rs987481207, ClinGen allele CA614773443.
Genomic context (GRCh38, chr14:67,726,159, plus strand): 5'-GTCCATATTCCAAGACAGCTGATGGCTTTGAAACCCACCTGGGAGTCAACCACCTGGGTA[A>G]GTATCTTTGGGTGACTAAAAAATGAGGTACACCCACTATCTTTTCTTTAGGAAGATGACA-3'